The following is an entry in ClinVar:

ClinVar aggregate classification (germline): Likely pathogenic (1 of 4 stars; one submission).

Conditions:
Developmental and epileptic encephalopathy 113. Identifiers: MedGen C5935597, MONDO:0958330, OMIM 620772.

gnomAD v4.1: 9 of 1,613,976 alleles (0.00056%); highest among the groups gnomAD compares: Non-Finnish European, 0.00068%; no homozygotes.

Submission:

Variantyx, Inc.
Classification: Likely pathogenic for Developmental and epileptic encephalopathy 113. Last evaluated: 2025-03-11. Review status: criteria provided, single submitter. Criteria: Variantyx Assertion Criteria 2022. Collection method: clinical testing. Allele origin: germline. Inheritance: Autosomal recessive inheritance. Affected: yes.
Comment: This is a nonsense variant in the SV2A gene (OMIM: 185860). Pathogenic variants in this gene have been associated with autosomal recessive developmental and epileptic encephalopathy 113. This variant introduces a premature termination codon in exon 6 out of 13. It is expected to result in loss of function, which is a known disease mechanism for SV2A in this disorder (PMID: 37985816) (PVS1). This variant has a 0.0007% maximum allele frequency in non-founder control populations (PM2_Supporting). This variant has not been reported in individuals with SV2A-related disorders in the databases available for review. Based on the current evidence, this variant is classified as likely pathogenic for autosomal recessive developmental and epileptic encephalopathy 113.

Literature cited by the submitters: PubMed 37985816.

NM_014849.5(SV2A):c.1147C>T (p.Arg383Ter)

Gene: SV2A (synaptic vesicle glycoprotein 2A; minus strand). Cytogenetic location: 1q21.2.
Variant type: single nucleotide variant.
Coding change: c.1147C>T on transcript NM_014849.5 (MANE Select); coding-DNA position 1147, C replaced by T.
Protein change: p.Arg383Ter; replaces arginine 383 with a stop codon.
Molecular consequence: nonsense.
Genome position (GRCh38, 1-based): chr1:149,909,833, G>A on the plus strand (C>T on the coding strand, the complement: SV2A is on the minus strand). VCF-style: chr1-149909833-G-A. GRCh37 (hg19) VCF-style: chr1-149881385-G-A.
Other names: c.1147C>T, p.Arg383Ter (NM_001328674.2, NM_001328675.2); short protein forms R383*.
Identifiers: ClinVar variation 4685002 (VCV004685002.1).